The following is an entry in ClinVar:

ClinVar aggregate classification (germline): Uncertain significance (1 of 4 stars; one submission).

Conditions:
Polyglucosan body myopathy type 1 (PGBM1). Also called: Polyglucosan body myopathy 1 with or without immunodeficiency; POLYGLUCOSAN BODY MYOPATHY WITHOUT IMMUNODEFICIENCY. Identifiers: Orphanet 329173, Orphanet 397937, MedGen C4014605, MONDO:0014389, OMIM 615895.

Submission:

Labcorp Genetics (formerly Invitae), Labcorp
Classification: Uncertain significance for Polyglucosan body myopathy type 1. Last evaluated: 2022-03-19. Review status: criteria provided, single submitter. Criteria: Invitae Variant Classification Sherloc (09022015). Collection method: clinical testing. Allele origin: germline.
Comment: In summary, the available evidence is currently insufficient to determine the role of this variant in disease. Therefore, it has been classified as a Variant of Uncertain Significance. Algorithms developed to predict the effect of missense changes on protein structure and function are either unavailable or do not agree on the potential impact of this missense change (SIFT: "Not Available"; PolyPhen-2: "Benign"; Align-GVGD: "Not Available"). This variant has not been reported in the literature in individuals affected with RBCK1-related conditions. This variant is not present in population databases (gnomAD no frequency). This sequence change replaces proline, which is neutral and non-polar, with threonine, which is neutral and polar, at codon 170 of the RBCK1 protein (p.Pro170Thr).

NM_031229.4(RBCK1):c.508C>A (p.Pro170Thr)

Gene: RBCK1 (RANBP2-type and C3HC4-type zinc finger containing 1; plus strand). Cytogenetic location: 20p13.
Variant type: single nucleotide variant.
Coding change: c.508C>A on transcript NM_031229.4 (MANE Select); coding-DNA position 508, C replaced by A.
Protein change: p.Pro170Thr; replaces proline 170 with threonine.
Molecular consequence: missense variant. On other transcripts: non-coding transcript variant (1).
Genome position (GRCh38, 1-based): chr20:419,394, C>A. VCF-style: chr20-419394-C-A. GRCh37 (hg19) VCF-style: chr20-400038-C-A.
Other names: c.159C>A, p.Ser53Arg (NM_001323956.2, NM_001323958.2); c.559C>A, p.Pro187Thr (NM_001410770.1); c.382C>A, p.Pro128Thr (NM_006462.6); short protein forms P128T, P170T, P187T, S53R.
Identifiers: ClinVar variation 1952222 (VCV001952222.5), dbSNP rs2514499770, ClinGen allele CA407922829.